The following is an entry in ClinVar:

ClinVar aggregate classification (germline): Pathogenic (1 of 4 stars; one submission).

Conditions:
Phenylketonuria (PKU). Also called: FOLLING DISEASE; Phenylketonuria (PKU); OLIGOPHRENIA PHENYLPYRUVICA; Phenylketonurias. Identifiers: Orphanet 716, MedGen C0031485, MONDO:0009861, OMIM 261600. Disease mechanism: loss of function.

Submission:

Labcorp Genetics (formerly Invitae), Labcorp
Classification: Pathogenic for Phenylketonuria. Last evaluated: 2023-11-27. Review status: criteria provided, single submitter. Criteria: Invitae Variant Classification Sherloc (09022015). Collection method: clinical testing. Allele origin: germline.
Comment: This sequence change replaces threonine, which is neutral and polar, with isoleucine, which is neutral and non-polar, at codon 238 of the PAH protein (p.Thr238Ile). This variant is not present in population databases (gnomAD no frequency). This missense change has been observed in individual(s) with hyperphenylalaninemia (Invitae). In at least one individual the data is consistent with being in trans (on the opposite chromosome) from a pathogenic variant. Advanced modeling of protein sequence and biophysical properties (such as structural, functional, and spatial information, amino acid conservation, physicochemical variation, residue mobility, and thermodynamic stability) performed at Invitae indicates that this missense variant is expected to disrupt PAH protein function with a positive predictive value of 80%. This variant disrupts the p.Thr238 amino acid residue in PAH. Other variant(s) that disrupt this residue have been determined to be pathogenic (PMID: 1363786, 11295882). This suggests that this residue is clinically significant, and that variants that disrupt this residue are likely to be disease-causing. For these reasons, this variant has been classified as Pathogenic.

Literature cited by the submitters: PubMed 1363786; PubMed 11295882.

NM_000277.3(PAH):c.713C>T (p.Thr238Ile)

Gene: PAH (phenylalanine hydroxylase; minus strand). Cytogenetic location: 12q23.2.
Variant type: single nucleotide variant.
Coding change: c.713C>T on transcript NM_000277.3 (MANE Select); coding-DNA position 713, C replaced by T.
Protein change: p.Thr238Ile; replaces threonine 238 with isoleucine.
Molecular consequence: missense variant.
Genome position (GRCh38, 1-based): chr12:102,852,944, G>A on the plus strand (C>T on the coding strand, the complement: PAH is on the minus strand). VCF-style: chr12-102852944-G-A. GRCh37 (hg19) VCF-style: chr12-103246722-G-A.
Other names: c.713C>T, p.Thr238Ile (NM_001354304.2); short protein forms T238I.
Identifiers: ClinVar variation 2812926 (VCV002812926.3), dbSNP rs2499623566, ClinGen allele CA386295852.
Genomic context (GRCh38, chr12:102,852,944, plus strand): 5'-AGGCCACCCAAGAAATCCCGAGAGGAAAGCAGGCCAGCCACAGGTCGGAGGCGGAAACCA[G>A]TGCAAGCTGGGATGAAAAGAAGAAAGAAAACTCAAAGCTCATCACCACTGAGTCAGAGGC-3'
Protein context (NP_000268.1, residues 228-248): EDVSQFLQTC[Thr238Ile]GFRLRPVAGL